The following is an entry in ClinVar:

NM_018975.4(TERF2IP):c.262G>T (p.Val88Leu)

Gene: TERF2IP (TERF2 interacting protein; plus strand). Cytogenetic location: 16q23.1.
Variant type: single nucleotide variant.
Coding change: c.262G>T on transcript NM_018975.4 (MANE Select); coding-DNA position 262, G replaced by T.
Protein change: p.Val88Leu; replaces valine 88 with leucine.
Molecular consequence: missense variant. On other transcripts: non-coding transcript variant (1).
Genome position (GRCh38, 1-based): chr16:75,648,144, G>T. VCF-style: chr16-75648144-G-T. GRCh37 (hg19) VCF-style: chr16-75682042-G-T.
Other names: short protein forms V88L.
Identifiers: ClinVar variation 1794037 (VCV001794037.3), dbSNP rs758270158, ClinGen allele CA8177967.

ClinVar aggregate classification (germline): Uncertain significance (1 of 4 stars; one submission).

Allele frequency attached by ClinVar (database versions not stated): TOPMed below 0.00001.
gnomAD v4.1: 8 of 1,564,216 alleles (0.00051%); highest among the groups gnomAD compares: Non-Finnish European, 0.00069%; no homozygotes.

Submission:

Ambry Genetics
Classification: Uncertain significance. Last evaluated: 2024-09-09. Review status: criteria provided, single submitter. Criteria: Ambry Variant Classification Scheme 2023. Collection method: clinical testing. Allele origin: germline.
Comment: The p.V88L variant (also known as c.262G>T), located in coding exon 1 of the TERF2IP gene, results from a G to T substitution at nucleotide position 262. The valine at codon 88 is replaced by leucine, an amino acid with highly similar properties. This amino acid position is conserved. In addition, the in silico prediction for this alteration is inconclusive. Since supporting evidence is limited at this time, the clinical significance of this alteration remains unclear.